The following is an entry in ClinVar:

ClinVar aggregate classification (germline): Pathogenic (1 of 4 stars; one submission).

Submission:

GeneDx
Classification: Pathogenic. Last evaluated: 2025-09-04. Review status: criteria provided, single submitter. Criteria: GeneDx Variant Classification Process June 2021. Collection method: clinical testing. Allele origin: germline. Affected: yes.
Comment: Canonical splice site variant predicted to result in a null allele in a gene for which loss of function is a known mechanism of disease; Not observed at significant frequency in large population cohorts (gnomAD); This variant is associated with the following publications: (PMID: 30831634)

NM_001355436.2(SPTB):c.764-1G>C

Gene: SPTB (spectrin beta, erythrocytic; minus strand). Cytogenetic location: 14q23.3.
Variant type: single nucleotide variant.
Coding change: c.764-1G>C on transcript NM_001355436.2 (MANE Select); the canonical splice acceptor site of the intron before coding-DNA position 764, G replaced by C.
Molecular consequence: splice acceptor variant.
Genome position (GRCh38, 1-based): chr14:64,800,869, C>G on the plus strand (G>C on the coding strand, the complement: SPTB is on the minus strand). VCF-style: chr14-64800869-C-G. GRCh37 (hg19) VCF-style: chr14-65267587-C-G.
Other names: c.764-1G>C (NM_001024858.4, NM_001355437.2).
Identifiers: ClinVar variation 4813240 (VCV004813240.1).